The following is an entry in ClinVar:

ClinVar aggregate classification (germline): Likely benign (1 of 4 stars; one submission).

Submission:

CeGaT Center for Human Genetics Tuebingen
Classification: Likely benign. Last evaluated: 2023-07-01. Review status: criteria provided, single submitter. Criteria: CeGaT Center For Human Genetics Tuebingen Variant Classification Criteria Version 2. Collection method: clinical testing. Allele origin: germline. Affected: yes. Observed: 1 variant allele.
Comment: CDK19: PM2:Supporting, BP4, BP7

NM_015076.5(CDK19):c.231T>C (p.Asn77=)

Gene: CDK19 (cyclin dependent kinase 19; minus strand). Cytogenetic location: 6q21.
Variant type: single nucleotide variant.
Coding change: c.231T>C on transcript NM_015076.5 (MANE Select); coding-DNA position 231, T replaced by C.
Protein change: p.Asn77=; no amino-acid change (asparagine 77 retained).
Molecular consequence: synonymous variant.
Genome position (GRCh38, 1-based): chr6:110,670,515, A>G on the plus strand (T>C on the coding strand, the complement: CDK19 is on the minus strand). VCF-style: chr6-110670515-A-G. GRCh37 (hg19) VCF-style: chr6-110991718-A-G.
Other names: c.231T>C, p.Asn77= (NM_001300960.2); c.51T>C, p.Asn17= (NM_001300963.2, NM_001300964.2).
Identifiers: ClinVar variation 2656849 (VCV002656849.24), dbSNP rs2535610881, ClinGen allele CA451882507.